The following is an entry in ClinVar:

ClinVar aggregate classification (germline): Likely benign. Review status: criteria provided, multiple submitters, no conflicts (2 of 4 stars). 5 submissions from 5 submitters: Likely benign (2). 3 of the submissions do not count toward it. Last evaluated 2026-01-11.

Conditions:
DCHS1-related disorder. Also called: DCHS1-related condition.
Inborn genetic diseases. Identifiers: MedGen C0950123, MeSH D030342.

Allele frequency attached by ClinVar (database versions not stated): gnomAD 0.00001 and 0.00019; TOPMed 0.00007; gnomAD exomes 0.00029 and 0.00065; ExAC 0.00071; 1000 Genomes Project 30x 0.00094; 1000 Genomes Project 0.00120.
gnomAD v4.1: 463 of 1,612,904 alleles (0.029%); highest among the groups gnomAD compares: South Asian, 0.48%; 5 homozygotes.

Submissions (5):

Labcorp Genetics (formerly Invitae), Labcorp
Classification: Likely benign. Last evaluated: 2026-01-11. Review status: criteria provided, single submitter. Criteria: Invitae Variant Classification Sherloc (09022015). Collection method: clinical testing. Allele origin: germline.

Ambry Genetics
Classification: Likely benign for Inborn genetic diseases. Last evaluated: 2025-10-17. Review status: criteria provided, single submitter. Criteria: Ambry Variant Classification Scheme 2023. Collection method: clinical testing. Allele origin: germline.

PreventionGenetics, part of Exact Sciences
Classification: Likely benign for DCHS1-related condition. Last evaluated: 2024-09-14. Review status: no assertion criteria provided. Collection method: clinical testing. Allele origin: germline. Not counted in ClinVar's aggregate classification.
Comment: This variant is classified as likely benign based on ACMG/AMP sequence variant interpretation guidelines (Richards et al. 2015 PMID: 25741868, with internal and published modifications).

Clinical Genetics, Academic Medical Center
Classification: Likely benign. Review status: no assertion criteria provided. Collection method: clinical testing. Allele origin: germline. Affected: yes. Study: VKGL Data-share Consensus. Not counted in ClinVar's aggregate classification.

Laboratory of Diagnostic Genome Analysis, Leiden University Medical Center (LUMC)
Classification: Likely benign. Review status: no assertion criteria provided. Collection method: clinical testing. Allele origin: germline. Affected: yes. Study: VKGL Data-share Consensus. Not counted in ClinVar's aggregate classification.

NM_003737.4(DCHS1):c.4835G>A (p.Arg1612Gln)

Gene: DCHS1 (dachsous cadherin-related 1; minus strand). Cytogenetic location: 11p15.4.
Variant type: single nucleotide variant.
Coding change: c.4835G>A on transcript NM_003737.4 (MANE Select); coding-DNA position 4835, G replaced by A.
Protein change: p.Arg1612Gln; replaces arginine 1612 with glutamine.
Molecular consequence: missense variant.
Genome position (GRCh38, 1-based): chr11:6,629,872, C>T on the plus strand (G>A on the coding strand, the complement: DCHS1 is on the minus strand). VCF-style: chr11-6629872-C-T. GRCh37 (hg19) VCF-style: chr11-6651103-C-T.
Other names: c.4835G>A (NM_003737.2); short protein forms R1612Q.
Identifiers: ClinVar variation 793481 (VCV000793481.16), dbSNP rs538937774, ClinGen allele CA5860250.